The following is an entry in ClinVar:

NM_014874.4(MFN2):c.2171T>C (p.Leu724Pro)

Gene: MFN2 (mitofusin 2; plus strand). Cytogenetic location: 1p36.22.
Variant type: single nucleotide variant.
Coding change: c.2171T>C on transcript NM_014874.4 (MANE Select); coding-DNA position 2171, T replaced by C.
Protein change: p.Leu724Pro; replaces leucine 724 with proline.
Molecular consequence: missense variant.
Genome position (GRCh38, 1-based): chr1:12,009,693, T>C. VCF-style: chr1-12009693-T-C. GRCh37 (hg19) VCF-style: chr1-12069750-T-C.
Other names: c.2171T>C, p.Leu724Pro (NM_001127660.2); short protein forms L724P.
Identifiers: ClinVar variation 573744 (VCV000573744.14), dbSNP rs1557537346, ClinGen allele CA338453293.

ClinVar aggregate classification (germline): Pathogenic/Likely pathogenic. Review status: criteria provided, multiple submitters, no conflicts (2 of 4 stars). 5 submissions from 5 submitters: Pathogenic (3); Likely pathogenic (1). 1 of the submissions does not count toward it. Last evaluated 2026-09-09.

Conditions:
Inborn genetic diseases. Identifiers: MedGen C0950123, MeSH D030342.
Charcot-Marie-Tooth disease. Also called: Charcot-Marie-Tooth Neuropathy; Charcot-Marie-Tooth Hereditary Neuropathy. Identifiers: Orphanet 166, MedGen C0007959, MONDO:0015626.
MFN2-related disorder. Also called: MFN2-related disorders; MFN2-related condition.
Charcot-Marie-Tooth disease type 2. Also called: Charcot-Marie-Tooth type 2. Identifiers: Orphanet 64746, MedGen C0270914, MONDO:0018993.
Charcot-Marie-Tooth disease type 2A2. Also called: HEREDITARY MOTOR AND SENSORY NEUROPATHY IIA2; HMSN IIA2; Charcot-Marie-Tooth Neuropathy Type 2A2; CHARCOT-MARIE-TOOTH DISEASE, AXONAL, TYPE 2A2; CHARCOT-MARIE-TOOTH DISEASE, NEURONAL, TYPE 2A2; CHARCOT-MARIE-TOOTH DISEASE, AXONAL, AUTOSOMAL DOMINANT, TYPE 2A2A. Identifiers: Orphanet 99947, MedGen C4721887, MONDO:0012231, OMIM 609260.

Submissions (5):

Ambry Genetics
Classification: Pathogenic for Inborn genetic diseases. Last evaluated: 2026-09-09. Review status: criteria provided, single submitter. Criteria: Ambry Variant Classification Scheme 2023. Collection method: clinical testing. Allele origin: germline.
Comment: The c.2171T>C (p.L724P) alteration is located in exon 18 (coding exon 16) of the MFN2 gene. This alteration results from a T to C substitution at nucleotide position 2171, causing the leucine (L) at amino acid position 724 to be replaced by a proline (P). for autosomal dominant MFN2-related neuropathy; however, its clinical significance for autosomal recessive MFN2-related neuropathy is uncertain. This variant was not reported in population-based cohorts in the Genome Aggregation Database (gnomAD). This variant was reported as heterozygous in individual(s) with features consistent with MFN2-related neuropathy; in at least one individual, it was determined to be de novo variant (Abe, 2011; Hoebeke, 2018; Hsu, 2019). This amino acid position is highly conserved in available vertebrate species. This alteration is predicted to be deleterious by in silico analysis. Based on the available evidence, this alteration is classified as pathogenic.

PreventionGenetics, part of Exact Sciences
Classification: Pathogenic for MFN2-related condition. Last evaluated: 2024-10-08. Review status: criteria provided, single submitter. Criteria: ACMG Guidelines, 2015. Collection method: clinical testing. Allele origin: germline.
Comment: The MFN2 c.2171T>C variant is predicted to result in the amino acid substitution p.Leu724Pro. This variant has been reported in the heterozygous state in multiple unrelated individuals with Charcot-Marie-Tooth disease, and in at least one instance was reported to be de novo (Abe et al. 2011. PubMed ID: 21326314; Khidiyatova et al. 2013. PubMed ID: 24450158; Hoebeke et al. 2018. PubMed ID: 30340945; Hsu et al. 2019. PubMed ID: 31211173). This variant has not been reported in a large population database, indicating this variant is rare. This variant is interpreted as pathogenic.

Labcorp Genetics (formerly Invitae), Labcorp
Classification: Pathogenic for Charcot-Marie-Tooth disease type 2. Last evaluated: 2024-09-23. Review status: criteria provided, single submitter. Criteria: Invitae Variant Classification Sherloc (09022015). Collection method: clinical testing. Allele origin: germline.
Comment: This sequence change replaces leucine, which is neutral and non-polar, with proline, which is neutral and non-polar, at codon 724 of the MFN2 protein (p.Leu724Pro). This variant is not present in population databases (gnomAD no frequency). This missense change has been observed in individuals with autosomal dominant Charcot-Marie-Tooth disease (PMID: 21326314, 24450158; internal data). ClinVar contains an entry for this variant (Variation ID: 573744). Invitae Evidence Modeling of protein sequence and biophysical properties (such as structural, functional, and spatial information, amino acid conservation, physicochemical variation, residue mobility, and thermodynamic stability) indicates that this missense variant is expected to disrupt MFN2 protein function with a positive predictive value of 95%. For these reasons, this variant has been classified as Pathogenic.

Neuberg Centre For Genomic Medicine, NCGM
Classification: Likely pathogenic for Charcot-Marie-Tooth disease type 2A2. Last evaluated: 2023-06-22. Review status: criteria provided, single submitter. Criteria: ACMG Guidelines, 2015. Collection method: clinical testing. Allele origin: germline. Inheritance: Autosomal dominant inheritance. Affected: yes.
Comment: The observed missense variant c.2171T>C(p.Leu724Pro) in MFN2 gene has been reported in individuals with autosomal dominant Charcot-Marie-Tooth disease (Khidiyatova IM, et al., 2013, Hsu YH, et al., 2019). The c.2171T>C(p.Leu724Pro) variant is absent in gnomAD Exomes. This variant has been reported to the ClinVar database as Pathogenic/Uncertain Significance.The amino acid Leu at position 724 is changed to a Pro changing protein sequence and it might alter its composition and physico-chemical properties. The reference amino acid p.Leu724Pro in MFN2 is predicted as conserved by GERP++ and PhyloP across 100 vertebrates. For these reasons, this variant has been classified as Likely Pathogenic.

Inherited Neuropathy Consortium
Classification: Uncertain significance for Charcot-Marie-Tooth disease. Review status: no assertion criteria provided. Collection method: literature only. Allele origin: germline. Affected: yes. Not counted in ClinVar's aggregate classification.

Literature cited by the submitters: PubMed 21326314 (cited by 3 submitters); PubMed 30340945 (cited by Ambry Genetics); PubMed 31211173 (cited by Ambry Genetics); PubMed 24450158 (cited by Labcorp Genetics (formerly Invitae), Labcorp).